The following is an entry in ClinVar:

ClinVar aggregate classification (germline): Likely pathogenic (1 of 4 stars; one submission).

Conditions:
Congenital factor VII deficiency. Identifiers: Orphanet 327, MedGen C0272320, MONDO:0009211, OMIM 227500.

Submission:

Institute of Human Genetics, Heidelberg University
Classification: Likely pathogenic for Congenital factor VII deficiency. Last evaluated: 2025-10-15. Review status: criteria provided, single submitter. Criteria: ACMG Guidelines, 2015. Collection method: clinical testing. Allele origin: biparental. Affected: yes. Observed: 3 variant alleles.
Comment: PVS1_str, PM2_supp, PP4

NM_019616.4(F7):c.1271G>A (p.Trp424Ter)

Gene: F7 (coagulation factor VII; plus strand). Cytogenetic location: 13q34.
Variant type: single nucleotide variant.
Coding change: c.1271G>A on transcript NM_019616.4 (MANE Select); coding-DNA position 1271, G replaced by A.
Protein change: p.Trp424Ter; replaces tryptophan 424 with a stop codon.
Molecular consequence: nonsense. On other transcripts: non-coding transcript variant (1).
Genome position (GRCh38, 1-based): chr13:113,118,944, G>A. VCF-style: chr13-113118944-G-A. GRCh37 (hg19) VCF-style: chr13-113773258-G-A.
Other names: c.1337G>A, p.Trp446Ter (NM_000131.5); c.1085G>A, p.Trp362Ter (NM_001267554.2); short protein forms W362*, W424*, W446*.
Identifiers: ClinVar variation 4684973 (VCV004684973.1).
Genomic context (GRCh38, chr13:113,118,944, plus strand): 5'-AGGGCTGCGCAACCGTGGGCCACTTTGGGGTGTACACCAGGGTCTCCCAGTACATCGAGT[G>A]GCTGCAAAAGCTCATGCGCTCAGAGCCACGCCCAGGAGTCCTCCTGCGAGCCCCATTTCC-3'